The following is an entry in ClinVar:

NM_016188.5(ACTL6B):c.899G>A (p.Arg300His)

Gene: ACTL6B (actin like 6B; minus strand). Cytogenetic location: 7q22.1.
Variant type: single nucleotide variant.
Coding change: c.899G>A on transcript NM_016188.5 (MANE Select); coding-DNA position 899, G replaced by A.
Protein change: p.Arg300His; replaces arginine 300 with histidine.
Molecular consequence: missense variant. On other transcripts: non-coding transcript variant (1).
Genome position (GRCh38, 1-based): chr7:100,647,008, C>T on the plus strand (G>A on the coding strand, the complement: ACTL6B is on the minus strand). VCF-style: chr7-100647008-C-T. GRCh37 (hg19) VCF-style: chr7-100244631-C-T.
Other names: short protein forms R300H.
Identifiers: ClinVar variation 3067553 (VCV003067553.21), dbSNP rs557777299, ClinGen allele CA4387112.
Genomic context (GRCh38, chr7:100,647,008, plus strand): 5'-CAGTCCTCGCCACACAGCCAAACCTTGACGTTCGAGGGATCAAACAGGCCCTCAGGGATG[C>T]GGAGTCGCTCGGCGCCGTAGTCTGTATTGTAGCCATTGGGCATCTCGTAGTGCACTGTGG-3'
Protein context (NP_057272.1, residues 290-310): YNTDYGAERL[Arg300His]IPEGLFDPSN

ClinVar aggregate classification (germline): Uncertain significance (1 of 4 stars; one submission).

Allele frequency attached by ClinVar (database versions not stated): gnomAD 0.00001; gnomAD exomes 0.00001; ExAC 0.00002; 1000 Genomes Project 30x 0.00016; 1000 Genomes Project 0.00020.
gnomAD v4.1: 11 of 1,614,050 alleles (0.00068%); highest among the groups gnomAD compares: East Asian, 0.0022%; no homozygotes.

Submission:

CeGaT Center for Human Genetics Tuebingen
Classification: Uncertain significance. Last evaluated: 2024-03-01. Review status: criteria provided, single submitter. Criteria: CeGaT Center For Human Genetics Tuebingen Variant Classification Criteria Version 2. Collection method: clinical testing. Allele origin: germline. Affected: yes. Observed: 1 variant allele.
Comment: ACTL6B: PM2, PP2